The following is an entry in ClinVar:

ClinVar aggregate classification (germline): Uncertain significance. Review status: criteria provided, multiple submitters, no conflicts (2 of 4 stars). 2 submissions from 2 submitters: Uncertain significance (2). Last evaluated 2022-05-18.

Allele frequency attached by ClinVar (database versions not stated): gnomAD exomes 0.00001; ExAC 0.00001; TOPMed 0.00005.
gnomAD v4.1: 21 of 1,612,738 alleles (0.0013%); highest among the groups gnomAD compares: African/African-American, 0.011%; no homozygotes.

Submissions (2):

Labcorp Genetics (formerly Invitae), Labcorp
Classification: Uncertain significance. Last evaluated: 2022-05-18. Review status: criteria provided, single submitter. Criteria: Invitae Variant Classification Sherloc (09022015). Collection method: clinical testing. Allele origin: germline.
Comment: This sequence change falls in intron 27 of the OTOF gene. It does not directly change the encoded amino acid sequence of the OTOF protein. It affects a nucleotide within the consensus splice site. This variant is present in population databases (rs760279912, gnomAD 0.004%). This variant has not been reported in the literature in individuals affected with OTOF-related conditions. ClinVar contains an entry for this variant (Variation ID: 930086). Variants that disrupt the consensus splice site are a relatively common cause of aberrant splicing (PMID: 17576681, 9536098). Algorithms developed to predict the effect of sequence changes on RNA splicing suggest that this variant may disrupt the consensus splice site. In summary, the available evidence is currently insufficient to determine the role of this variant in disease. Therefore, it has been classified as a Variant of Uncertain Significance.

Laboratory for Molecular Medicine, Mass General Brigham Personalized Medicine
Classification: Uncertain significance. Last evaluated: 2019-03-15. Review status: criteria provided, single submitter. Criteria: LMM Criteria. Collection method: clinical testing. Allele origin: germline. Observed: 1 variant allele.
Comment: The c.3408+5G>Avariant in OTOF has not been previously reported in individuals with hearing loss or auditory neuropathy spectrum disorder, but has been identified in 0.0017% (2/112866) of European chromosomes by gnomAD. Computational splice prediction tools suggest that this variant may impact the protein, though this information is not predictive enough to determine pathogenicity. In summary, the clinical significance of this variant is uncertain. ACMG/AMP Criteria applied: PM2, PP3.

Literature cited by the submitters: PubMed 17576681 (cited by Labcorp Genetics (formerly Invitae), Labcorp); PubMed 9536098 (cited by Labcorp Genetics (formerly Invitae), Labcorp).

NM_194248.3(OTOF):c.3408+5G>A

Gene: OTOF (otoferlin; minus strand). Cytogenetic location: 2p23.3.
Variant type: single nucleotide variant.
Coding change: c.3408+5G>A on transcript NM_194248.3 (MANE Select); 5 bases into the intron after coding-DNA position 3408, G replaced by A.
Molecular consequence: intron variant.
Genome position (GRCh38, 1-based): chr2:26,473,986, C>T on the plus strand (G>A on the coding strand, the complement: OTOF is on the minus strand). VCF-style: chr2-26473986-C-T. GRCh37 (hg19) VCF-style: chr2-26696854-C-T.
Other names: c.3408+5G>A (NM_001287489.2); c.1167+5G>A (NM_194323.3, NM_004802.4); c.1338+5G>A (NM_194322.3).
Identifiers: ClinVar variation 930086 (VCV000930086.6), dbSNP rs760279912, ClinGen allele CA1563566.